The following is an entry in ClinVar:

ClinVar aggregate classification (germline): Pathogenic (1 of 4 stars; one submission).

Conditions:
Mucopolysaccharidosis type 6 (MPS6). Also called: MPS 6; Maroteaux Lamy syndrome; MPS VI; N-ACETYLGALACTOSAMINE-4-SULFATASE DEFICIENCY; ARSB DEFICIENCY; ARYLSULFATASE B DEFICIENCY. Identifiers: Orphanet 583, MedGen C0026709, MONDO:0009661, OMIM 253200.

Submission:

Labcorp Genetics (formerly Invitae), Labcorp
Classification: Pathogenic for Mucopolysaccharidosis type 6. Last evaluated: 2020-08-22. Review status: criteria provided, single submitter. Criteria: Invitae Variant Classification Sherloc (09022015). Collection method: clinical testing. Allele origin: germline.
Comment: This variant is an out-of-frame deletion of the genomic region encompassing exon(s) 6 of the ARSB gene. This is expected to create a premature translational stop signal and result in an absent or disrupted protein product. This variant has not been reported in the literature in individuals with ARSB-related conditions. Loss-of-function variants in ARSB are known to be pathogenic (PMID: 17458871, 22133300). For these reasons, this variant has been classified as Pathogenic.

Literature cited by the submitters: PubMed 17458871; PubMed 22133300.

NC_000005.9:g.(?_78111899)_(78135259_?)del

Gene: ARSB (arylsulfatase B; minus strand). Cytogenetic location: 5q14.1.
Variant type: Deletion.
Identifiers: ClinVar variation 1073284 (VCV001073284.6).